The following is an entry in ClinVar:

ClinVar aggregate classification (germline): Conflicting classifications of pathogenicity. Review status: criteria provided, conflicting classifications (1 of 4 stars). 5 submissions from 5 submitters: Uncertain significance (3); Benign (1); Likely benign (1). Last evaluated 2026-01-11.

Conditions:
Emery-Dreifuss muscular dystrophy 5, autosomal dominant (EDMD5). Also called: EMERY-DREIFUSS MUSCULAR DYSTROPHY 5. Identifiers: Orphanet 261, MedGen C2751805, MONDO:0013072, OMIM 612999.

Allele frequency attached by ClinVar (database versions not stated): gnomAD 0.00006 and 0.00007; TOPMed 0.00008; gnomAD exomes 0.00011 and 0.00012; ExAC 0.00012; ESP Exome Variant Server 0.00015.
gnomAD v4.1: 185 of 1,613,636 alleles (0.011%); highest among the groups gnomAD compares: Middle Eastern, 0.07%; no homozygotes.

Submissions (5):

Labcorp Genetics (formerly Invitae), Labcorp
Classification: Uncertain significance for Emery-Dreifuss muscular dystrophy 5, autosomal dominant. Last evaluated: 2026-01-11. Review status: criteria provided, single submitter. Criteria: Invitae Variant Classification Sherloc (09022015). Collection method: clinical testing. Allele origin: germline.
Comment: This sequence change replaces threonine, which is neutral and polar, with isoleucine, which is neutral and non-polar, at codon 4205 of the SYNE2 protein (p.Thr4205Ile). This variant is present in population databases (rs376207235, gnomAD 0.02%). This variant has not been reported in the literature in individuals affected with SYNE2-related conditions. ClinVar contains an entry for this variant (Variation ID: 313577). An algorithm developed to predict the effect of missense changes on protein structure and function (PolyPhen-2) suggests that this variant is likely to be tolerated. In summary, the available evidence is currently insufficient to determine the role of this variant in disease. Therefore, it has been classified as a Variant of Uncertain Significance.

Ambry Genetics
Classification: Uncertain significance. Last evaluated: 2025-08-10. Review status: criteria provided, single submitter. Criteria: Ambry Variant Classification Scheme 2023. Collection method: clinical testing. Allele origin: germline.

Revvity Omics, Revvity
Classification: Likely benign for Emery-Dreifuss muscular dystrophy 5, autosomal dominant. Last evaluated: 2023-12-05. Review status: criteria provided, single submitter. Criteria: ACMG Guidelines, 2015. Collection method: clinical testing. Allele origin: germline.

Athena Diagnostics
Classification: Uncertain significance. Last evaluated: 2020-06-09. Review status: criteria provided, single submitter. Criteria: Athena Diagnostics Criteria. Collection method: clinical testing. Allele origin: unknown.

Illumina Laboratory Services, Illumina
Classification: Benign for Emery-Dreifuss muscular dystrophy 5, autosomal dominant. Last evaluated: 2018-01-13. Review status: criteria provided, single submitter. Criteria: ICSL Variant Classification Criteria 13 December 2019. Collection method: clinical testing. Allele origin: germline.
Comment: This variant was observed in the ICSL laboratory as part of a predisposition screen in an ostensibly healthy population. It had not been previously curated by ICSL or reported in the Human Gene Mutation Database (HGMD: prior to June 1st, 2018), and was therefore a candidate for classification through an automated scoring system. Utilizing variant allele frequency, disease prevalence and penetrance estimates, and inheritance mode, an automated score was calculated to assess if this variant is too frequent to cause the disease. Based on the score and internal cut-off values, a variant classified as benign is not then subjected to further curation. The score for this variant resulted in a classification of benign for this disease.

NM_182914.3(SYNE2):c.12614C>T (p.Thr4205Ile)

Gene: SYNE2 (spectrin repeat containing nuclear envelope protein 2; plus strand). Cytogenetic location: 14q23.2.
Variant type: single nucleotide variant.
Coding change: c.12614C>T on transcript NM_182914.3 (MANE Select); coding-DNA position 12614, C replaced by T.
Protein change: p.Thr4205Ile; replaces threonine 4205 with isoleucine.
Molecular consequence: missense variant.
Genome position (GRCh38, 1-based): chr14:64,113,345, C>T. VCF-style: chr14-64113345-C-T. GRCh37 (hg19) VCF-style: chr14-64580063-C-T.
Other names: c.12614C>T, p.Thr4205Ile (NM_015180.6); short protein forms T4205I.
Identifiers: ClinVar variation 313577 (VCV000313577.23), dbSNP rs376207235, ClinGen allele CA7222222.
Genomic context (GRCh38, chr14:64,113,345, plus strand): 5'-GCAGGCCCAAGTCTGAAAACTTTGGACTCCCTGGCTTATCTTTGGATTTCTCTTAGGGCA[C>T]CACACCTCCTATTGAGGCTGACACTCTGGACTCTTCTGACGCGCAAGGAGGTTTGGAGCC-3'
Protein context (NP_878918.2, residues 4195-4215): SLRPNQTEEG[Thr4205Ile]TPPIEADTLD